The following is an entry in ClinVar:

NM_001854.4(COL11A1):c.4946T>G (p.Ile1649Ser)

Gene: COL11A1 (collagen type XI alpha 1 chain; minus strand). Cytogenetic location: 1p21.1.
Variant type: single nucleotide variant.
Coding change: c.4946T>G on transcript NM_001854.4 (MANE Select); coding-DNA position 4946, T replaced by G.
Protein change: p.Ile1649Ser; replaces isoleucine 1649 with serine.
Molecular consequence: missense variant. On other transcripts: non-coding transcript variant (1).
Genome position (GRCh38, 1-based): chr1:102,883,224, A>C on the plus strand (T>G on the coding strand, the complement: COL11A1 is on the minus strand). VCF-style: chr1-102883224-A-C. GRCh37 (hg19) VCF-style: chr1-103348780-A-C.
Other names: c.4982T>G, p.Ile1661Ser (NM_080629.3); c.4598T>G, p.Ile1533Ser (NM_080630.4); c.4829T>G, p.Ile1610Ser (NM_001190709.2); short protein forms I1610S, I1649S, I1533S, I1661S.
Identifiers: ClinVar variation 4768601 (VCV004768601.1).

ClinVar aggregate classification (germline): Uncertain significance (1 of 4 stars; one submission).

gnomAD v4.1: 1 of 1,613,174 alleles (0.000062%); highest among the groups gnomAD compares: Non-Finnish European, 0.000085%; no homozygotes.

Submission:

Labcorp Genetics (formerly Invitae), Labcorp
Classification: Uncertain significance. Last evaluated: 2025-09-09. Review status: criteria provided, single submitter. Criteria: Invitae Variant Classification Sherloc (09022015). Collection method: clinical testing. Allele origin: germline.
Comment: This sequence change replaces isoleucine, which is neutral and non-polar, with serine, which is neutral and polar, at codon 1649 of the COL11A1 protein (p.Ile1649Ser). This variant is not present in population databases (gnomAD no frequency). This variant has not been reported in the literature in individuals affected with COL11A1-related conditions. Invitae Evidence Modeling of protein sequence and biophysical properties (such as structural, functional, and spatial information, amino acid conservation, physicochemical variation, residue mobility, and thermodynamic stability) indicates that this missense variant is expected to disrupt COL11A1 protein function with a positive predictive value of 80%. In summary, the available evidence is currently insufficient to determine the role of this variant in disease. Therefore, it has been classified as a Variant of Uncertain Significance.